The following is an entry in ClinVar:

ClinVar aggregate classification (germline): Likely benign. Review status: criteria provided, multiple submitters, no conflicts (2 of 4 stars). 3 submissions from 3 submitters: Likely benign (3). Last evaluated 2026-03-01.

Conditions:
Chromosome 2q32-q33 deletion syndrome (GLASS). Also called: Glass syndrome; 2q33.1 deletion syndrome. Identifiers: Orphanet 251019, MedGen C2676739, MONDO:0012864, OMIM 612313.

Allele frequency attached by ClinVar (database versions not stated): 1000 Genomes Project 30x 0.00016; TOPMed 0.00016; 1000 Genomes Project 0.00020; gnomAD 0.00023 and 0.00024; ESP Exome Variant Server 0.00015.
gnomAD v4.1: 592 of 1,613,834 alleles (0.037%); highest among the groups gnomAD compares: Non-Finnish European, 0.047%; no homozygotes.

Submissions (3):

CeGaT Center for Human Genetics Tuebingen
Classification: Likely benign. Last evaluated: 2026-03-01. Review status: criteria provided, single submitter. Criteria: CeGaT Center For Human Genetics Tuebingen Variant Classification Criteria Version 2. Collection method: clinical testing. Allele origin: germline. Affected: yes. Observed: 1 variant allele.
Comment: SATB2: BP4, BP7

Labcorp Genetics (formerly Invitae), Labcorp
Classification: Likely benign for Chromosome 2q32-q33 deletion syndrome. Last evaluated: 2025-12-15. Review status: criteria provided, single submitter. Criteria: Invitae Variant Classification Sherloc (09022015). Collection method: clinical testing. Allele origin: germline.

GeneDx
Classification: Likely benign. Last evaluated: 2020-06-26. Review status: criteria provided, single submitter. Criteria: GeneDx Variant Classification Process June 2021. Collection method: clinical testing. Allele origin: germline. Affected: yes.

NM_001172509.2(SATB2):c.333G>C (p.Ala111=)

Gene: SATB2 (SATB homeobox 2; minus strand). Cytogenetic location: 2q33.1.
Variant type: single nucleotide variant.
Coding change: c.333G>C on transcript NM_001172509.2 (MANE Select); coding-DNA position 333, G replaced by C.
Protein change: p.Ala111=; no amino-acid change (alanine 111 retained).
Molecular consequence: synonymous variant. On other transcripts: non-coding transcript variant (1).
Genome position (GRCh38, 1-based): chr2:199,433,351, C>G on the plus strand (G>C on the coding strand, the complement: SATB2 is on the minus strand). VCF-style: chr2-199433351-C-G. GRCh37 (hg19) VCF-style: chr2-200298074-C-G.
Other names: c.333G>C, p.Ala111= (NM_001172517.1, NM_015265.4).
Identifiers: ClinVar variation 469554 (VCV000469554.17), dbSNP rs140116634, ClinGen allele CA2046114.
Genomic context (GRCh38, chr2:199,433,351, plus strand): 5'-TTATGACACACAAGAGACTTGGGAGGAGAGGGGAGAGGCATTAATACCTTGGGCCTGGGC[C>G]GCAGAGCTGTGAGAATACCCCAGGGCCAGGAGCGCAGTCTCCACCAGCTGGCTAAAAAGC-3'
Protein context (NP_001165980.1, residues 101-121): LLALGYSHSS[Ala111=]AQAQGIIKLG